The following is an entry in ClinVar:

ClinVar aggregate classification (germline): Benign/Likely benign. Review status: criteria provided, multiple submitters, no conflicts (2 of 4 stars). 5 submissions from 5 submitters: Benign (1); Likely benign (4). Last evaluated 2026-05-15.

Conditions:
Hereditary cancer-predisposing syndrome. Also called: Tumor predisposition; Hereditary neoplastic syndrome; Neoplastic Syndromes, Hereditary; Hereditary Cancer Syndrome. Identifiers: Orphanet 140162, MedGen C0027672, MeSH D009386, MONDO:0015356.
Neurofibromatosis, type 1 (NF1). Also called: Neurofibromatosis, type I; NEUROFIBROMATOSIS, TYPE I, SOMATIC; VON RECKLINGHAUSEN DISEASE; Peripheral type neurofibromatosis. Identifiers: Orphanet 636, MedGen C0027831, MONDO:0018975, OMIM 162200. Disease mechanism: loss of function.

Allele frequency attached by ClinVar (database versions not stated): gnomAD exomes below 0.00001.
gnomAD v4.1: 1 of 1,613,902 alleles (0.000062%); highest among the groups gnomAD compares: Non-Finnish European, 0.000085%; no homozygotes.

Submissions (5):

Myriad Genetics, Inc.
Classification: Benign for Neurofibromatosis, type 1. Last evaluated: 2026-05-15. Review status: criteria provided, single submitter. Criteria: Myriad Autosomal Dominant, Autosomal Recessive and X-Linked Classification Criteria (2023). Collection method: clinical testing. Allele origin: unknown.
Comment: This variant is considered benign. This variant is a silent/synonymous amino acid change and it is not expected to impact splicing.

Labcorp Genetics (formerly Invitae), Labcorp
Classification: Likely benign for Neurofibromatosis, type 1. Last evaluated: 2025-09-22. Review status: criteria provided, single submitter. Criteria: Invitae Variant Classification Sherloc (09022015). Collection method: clinical testing. Allele origin: germline.

Genome-Nilou Lab
Classification: Likely benign for Neurofibromatosis, type 1. Last evaluated: 2022-03-15. Review status: criteria provided, single submitter. Criteria: ACMG Guidelines, 2015. Collection method: clinical testing. Allele origin: germline. Affected: no.

Sema4
Classification: Likely benign for Hereditary cancer-predisposing syndrome. Last evaluated: 2022-03-14. Review status: criteria provided, single submitter. Criteria: Sema4 Curation Guidelines. Collection method: curation. Allele origin: germline.

Ambry Genetics
Classification: Likely benign for Hereditary cancer-predisposing syndrome. Last evaluated: 2014-07-22. Review status: criteria provided, single submitter. Criteria: Ambry Autosomal Dominant and X-Linked criteria (10/2015). Collection method: clinical testing. Allele origin: germline. Observed: 1 variant allele.

NM_001042492.3(NF1):c.1305C>T (p.His435=)

Gene: NF1 (neurofibromin 1; plus strand). Cytogenetic location: 17q11.2.
Variant type: single nucleotide variant.
Coding change: c.1305C>T on transcript NM_001042492.3 (MANE Select); coding-DNA position 1305, C replaced by T.
Protein change: p.His435=; no amino-acid change (histidine 435 retained).
Molecular consequence: synonymous variant.
Genome position (GRCh38, 1-based): chr17:31,206,284, C>T. VCF-style: chr17-31206284-C-T. GRCh37 (hg19) VCF-style: chr17-29533302-C-T.
Other names: c.1305C>T, p.His435= (NM_000267.4, NM_001128147.3).
Identifiers: ClinVar variation 184829 (VCV000184829.12), dbSNP rs786201720, ClinGen allele CA190171.